The following is an entry in ClinVar:

ClinVar aggregate classification (germline): Conflicting classifications of pathogenicity. Review status: criteria provided, conflicting classifications (1 of 4 stars). 2 submissions from 2 submitters: Uncertain significance (1); Likely benign (1). Last evaluated 2025-05-27.

Conditions:
Hypokalemic periodic paralysis, type 1. Also called: HypoPP; Hypokalemic Periodic Paralysis Type 1 (AD). Identifiers: Orphanet 681, MedGen C3714580, MONDO:0042979, OMIM 170400.
Malignant hyperthermia, susceptibility to, 5 (MHS5). Also called: CACNA1S-Related Malignant Hyperthermia Susceptibility. Identifiers: Orphanet 423, MedGen C1866077, MONDO:0011163, OMIM 601887.

Allele frequency attached by ClinVar (database versions not stated): TOPMed below 0.00001; gnomAD 0.00001; ExAC 0.00002; gnomAD exomes 0.00002.
gnomAD v4.1: 26 of 1,614,080 alleles (0.0016%); highest among the groups gnomAD compares: Middle Eastern, 0.016%; no homozygotes.

Submissions (2):

Labcorp Genetics (formerly Invitae), Labcorp
Classification: Likely benign for Hypokalemic periodic paralysis, type 1; Malignant hyperthermia, susceptibility to, 5. Last evaluated: 2025-05-27. Review status: criteria provided, single submitter. Criteria: Invitae Variant Classification Sherloc (09022015). Collection method: clinical testing. Allele origin: germline.

Color Diagnostics, LLC DBA Color Health
Classification: Uncertain significance for Malignant hyperthermia, susceptibility to, 5. Last evaluated: 2024-03-19. Review status: criteria provided, single submitter. Criteria: ACMG Guidelines, 2015. Collection method: clinical testing. Allele origin: germline.
Comment: This missense variant replaces isoleucine with threonine at codon 229 of the CACNA1S protein. Computational prediction suggests that this variant may not impact protein structure and function (internally defined REVEL score threshold <= 0.5, PMID: 27666373). To our knowledge, functional studies have not been reported for this variant. This variant has not been reported in individuals affected with CACNA1S-related disorders in the literature. This variant has been identified in 4/251484 chromosomes in the general population by the Genome Aggregation Database (gnomAD). The available evidence is insufficient to determine the role of this variant in disease conclusively. Therefore, this variant is classified as a Variant of Uncertain Significance.

NM_000069.3(CACNA1S):c.686T>C (p.Ile229Thr)

Gene: CACNA1S (calcium voltage-gated channel subunit alpha1 S; minus strand). Cytogenetic location: 1q32.1.
Variant type: single nucleotide variant.
Coding change: c.686T>C on transcript NM_000069.3 (MANE Select); coding-DNA position 686, T replaced by C.
Protein change: p.Ile229Thr; replaces isoleucine 229 with threonine.
Molecular consequence: missense variant.
Genome position (GRCh38, 1-based): chr1:201,091,648, A>G on the plus strand (T>C on the coding strand, the complement: CACNA1S is on the minus strand). VCF-style: chr1-201091648-A-G. GRCh37 (hg19) VCF-style: chr1-201060776-A-G.
Other names: short protein forms I229T.
Identifiers: ClinVar variation 937619 (VCV000937619.11), dbSNP rs778551098, ClinGen allele CA083940.